The following is an entry in ClinVar:

NM_001572.5(IRF7):c.1024_1028dup (p.Arg344fs)

Gene: IRF7 (interferon regulatory factor 7; minus strand). Cytogenetic location: 11p15.5.
Variant type: Duplication.
Coding change: c.1024_1028dup on transcript NM_001572.5 (MANE Select); coding-DNA positions 1024 to 1028, 5 bases duplicated (CAGCT; older notation c.1024_1028dupCAGCT).
Protein change: p.Arg344fs; shifts the reading frame from arginine 344.
Molecular consequence: frameshift variant.
Genome position (GRCh38, 1-based): chr11:613,415-613,419, AGCTG duplicated on the plus strand (CAGCT on the coding strand, the reverse complement: IRF7 is on the minus strand). VCF-style (leftmost placement, unchanged base first): chr11-613414-C-CAGCTG. GRCh37 (hg19) VCF-style: chr11-613414-C-CAGCTG.
Other names: c.937_941dup, p.Arg315fs (NM_004029.4); c.1063_1067dup, p.Arg357fs (NM_004031.4); short protein forms R357fs, R344fs, R315fs.
Identifiers: ClinVar variation 2753643 (VCV002753643.3), dbSNP rs2493899236, ClinGen allele CA2697558806.
Genomic context (GRCh38, chr11:613,414, plus strand): 5'-CCCCCGAAGCTCCAGGTGCAACCCAGGGGCCACGTGCCGCAGCAGTTCCTCCGTGTAGCG[C>CAGCTG]AGCTGCTTCTGGTCCGGGAGCTCGGCAGGGCTGGGGAATGCTACCTGCTGGGGGTCTGTG-3'

ClinVar aggregate classification (germline): Uncertain significance (1 of 4 stars; one submission).

Conditions:
Immunodeficiency 39 (IMD39). Identifiers: Orphanet 574918, MedGen C4225358, MONDO:0014597, OMIM 616345.

Submission:

Labcorp Genetics (formerly Invitae), Labcorp
Classification: Uncertain significance for Immunodeficiency 39. Last evaluated: 2023-08-17. Review status: criteria provided, single submitter. Criteria: Invitae Variant Classification Sherloc (09022015). Collection method: clinical testing. Allele origin: germline.
Comment: In summary, the available evidence is currently insufficient to determine the role of this variant in disease. Therefore, it has been classified as a Variant of Uncertain Significance. This variant has not been reported in the literature in individuals affected with IRF7-related conditions. This variant is not present in population databases (gnomAD no frequency). This sequence change creates a premature translational stop signal (p.Arg357Serfs*110) in the IRF7 gene. While this is not anticipated to result in nonsense mediated decay, it is expected to disrupt the last 160 amino acid(s) of the IRF7 protein.